The following is an entry in ClinVar:

NM_000285.4(PEPD):c.393G>C (p.Glu131Asp)

Gene: PEPD (peptidase D; minus strand). Cytogenetic location: 19q13.11.
Variant type: single nucleotide variant.
Coding change: c.393G>C on transcript NM_000285.4 (MANE Select); coding-DNA position 393, G replaced by C.
Protein change: p.Glu131Asp; replaces glutamic acid 131 with aspartic acid.
Molecular consequence: missense variant. On other transcripts: intron variant (1).
Genome position (GRCh38, 1-based): chr19:33,500,938, C>G on the plus strand (G>C on the coding strand, the complement: PEPD is on the minus strand). VCF-style: chr19-33500938-C-G. GRCh37 (hg19) VCF-style: chr19-33991844-C-G.
Other names: c.393G>C, p.Glu131Asp (NM_001166056.2); c.202-7601G>C (NM_001166057.2); short protein forms E131D.
Identifiers: ClinVar variation 4848036 (VCV004848036.1).

ClinVar aggregate classification (germline): Uncertain significance (1 of 4 stars; one submission).

Submission:

Women's Health and Genetics/Laboratory Corporation of America, LabCorp
Classification: Uncertain significance. Last evaluated: 2026-02-04. Review status: criteria provided, single submitter. Criteria: LabCorp Variant Classification Summary - May 2015. Collection method: clinical testing. Allele origin: germline.
Comment: Variant summary: PEPD c.393G>C (p.Glu131Asp) results in a conservative amino acid change in the encoded protein sequence. Algorithms developed to predict the effect of missense changes on protein structure and function are either unavailable or do not agree on the potential impact of this missense change. Several computational tools predict a significant impact on normal splicing: Two predict the variant abolishes a canonical 5' splicing donor site. Two predict the variant weakens a canonical 5' donor site. However, these predictions have yet to be confirmed by functional studies. The variant was absent in 249410 control chromosomes. The available data on variant occurrences in the general population are insufficient to allow any conclusion about variant significance. To our knowledge, no occurrence of c.393G>C in individuals affected with PEPD-related conditions and no experimental evidence demonstrating its impact on protein function have been reported. No submitters have cited clinical-significance assessments for this variant to ClinVar. Based on the evidence outlined above, the variant was classified as uncertain significance.